The following is an entry in ClinVar:

ClinVar aggregate classification (germline): Uncertain significance (1 of 4 stars; one submission).

Conditions:
Inborn genetic diseases. Identifiers: MedGen C0950123, MeSH D030342.

Submission:

Ambry Genetics
Classification: Uncertain significance for Inborn genetic diseases. Last evaluated: 2025-06-24. Review status: criteria provided, single submitter. Criteria: Ambry Variant Classification Scheme 2023. Collection method: clinical testing. Allele origin: germline.
Comment: The p.R1096Q variant (also known as c.3287G>A), located in coding exon 24 of the ANKRD26 gene, results from a G to A substitution at nucleotide position 3287. The arginine at codon 1096 is replaced by glutamine, an amino acid with highly similar properties. This amino acid position is conserved. In addition, this alteration is predicted to be tolerated by in silico analysis. Based on the available evidence, the clinical significance of this variant remains unclear.

NM_014915.3(ANKRD26):c.3287G>A (p.Arg1096Gln)

Gene: ANKRD26 (ankyrin repeat domain containing 26; minus strand). Cytogenetic location: 10p12.1.
Variant type: single nucleotide variant.
Coding change: c.3287G>A on transcript NM_014915.3 (MANE Select); coding-DNA position 3287, G replaced by A.
Protein change: p.Arg1096Gln; replaces arginine 1096 with glutamine.
Molecular consequence: missense variant.
Genome position (GRCh38, 1-based): chr10:27,035,163, C>T on the plus strand (G>A on the coding strand, the complement: ANKRD26 is on the minus strand). VCF-style: chr10-27035163-C-T. GRCh37 (hg19) VCF-style: chr10-27324092-C-T.
Other names: c.3284G>A, p.Arg1095Gln (NM_001256053.2); short protein forms R1095Q, R1096Q.
Identifiers: ClinVar variation 4102977 (VCV004102977.1).